The following is an entry in ClinVar:

ClinVar aggregate classification (germline): Pathogenic (1 of 4 stars; one submission).

Conditions:
Tay-Sachs disease (TSD). Also called: HEXA DEFICIENCY; HEXA Disorders; GM2 gangliosidosis, type 1; Hexosaminidase alpha-subunit deficiency (variant B); Sphingolipidosis, Tay-Sachs; Hexosaminidase A Deficiency. Identifiers: Orphanet 845, MedGen C0039373, MONDO:0010100, OMIM 272800.

Submission:

Natera, Inc.
Classification: Pathogenic for Tay-Sachs disease. Last evaluated: 2025-04-20. Review status: criteria provided, single submitter. Criteria: Natera Variant Classification Schema (03/2026). Collection method: clinical testing. Allele origin: germline.
Comment: The c.571-2A>G variant in HEXA is a canonical splice acceptor site variant predicted to affect pre-mRNA splicing, which may result in an abnormal transcript and altered protein product. This variant is expected to result in nonsense mediated decay, truncation, or a dysfunctional protein product. This variant is rare in the general population with a frequency below the threshold expected for the associated phenotype(s). Functional studies show that this variant may disrupt protein function (PMID: 9338583). Another variant at this same site results in an alteration predicted to cause a similar molecular effect has been observed in individual(s) with the associated phenotype. Given the available evidence, this variant is classified as Pathogenic.

Literature cited by the submitters: PubMed 9338583.

NM_000520.6(HEXA):c.571-2A>G

Gene: HEXA (hexosaminidase subunit alpha; minus strand). Cytogenetic location: 15q23.
Variant type: single nucleotide variant.
Coding change: c.571-2A>G on transcript NM_000520.6 (MANE Select); the canonical splice acceptor site of the intron before coding-DNA position 571, A replaced by G.
Molecular consequence: splice acceptor variant.
Genome position (GRCh38, 1-based): chr15:72,351,236, T>C on the plus strand (A>G on the coding strand, the complement: HEXA is on the minus strand). VCF-style: chr15-72351236-T-C. GRCh37 (hg19) VCF-style: chr15-72643577-T-C.
Other names: c.604-2A>G (NM_001318825.2).
Identifiers: ClinVar variation 4814263 (VCV004814263.1).